The following is an entry in ClinVar:

NM_003738.5(PTCH2):c.1932C>A (p.Asp644Glu)

Gene: PTCH2 (patched 2; minus strand). Cytogenetic location: 1p34.1.
Variant type: single nucleotide variant.
Coding change: c.1932C>A on transcript NM_003738.5 (MANE Select); coding-DNA position 1932, C replaced by A.
Protein change: p.Asp644Glu; replaces aspartic acid 644 with glutamic acid.
Molecular consequence: missense variant.
Genome position (GRCh38, 1-based): chr1:44,827,969, G>T on the plus strand (C>A on the coding strand, the complement: PTCH2 is on the minus strand). VCF-style: chr1-44827969-G-T. GRCh37 (hg19) VCF-style: chr1-45293641-G-T.
Other names: c.1932C>A, p.Asp644Glu (NM_001166292.2); short protein forms D644E.
Identifiers: ClinVar variation 2080317 (VCV002080317.4), dbSNP rs772209129, ClinGen allele CA823145.
Genomic context (GRCh38, chr1:44,827,969, plus strand): 5'-GGCACAGGGCAGGGACTTGCAGGCTGCCTTCTGCCTTGTCTCCTCCTCCTGGCCTAGAAG[G>T]TCCCGTGTGGACCCTCCAGGGCTGAAGAGCTCAGAGCCCAGTGGGTCAGAAGGTGGGGGC-3'
Protein context (NP_003729.3, residues 634-654): ELFSPGGSTR[Asp644Glu]LLGQEEETRQ

ClinVar aggregate classification (germline): Uncertain significance (1 of 4 stars; one submission).

Conditions:
Gorlin syndrome. Also called: Nevoid Basal Cell Carcinoma Syndrome; Basal cell nevus syndrome. Identifiers: Orphanet 377, MedGen C0004779, MONDO:0007187.

Allele frequency attached by ClinVar (database versions not stated): gnomAD exomes below 0.00001; TOPMed below 0.00001; ExAC 0.00001; gnomAD 0.00001.
gnomAD v4.1: 2 of 1,614,088 alleles (0.00012%); highest among the groups gnomAD compares: Admixed American, 0.0033%; no homozygotes.

Submission:

Labcorp Genetics (formerly Invitae), Labcorp
Classification: Uncertain significance for Gorlin syndrome. Last evaluated: 2022-06-26. Review status: criteria provided, single submitter. Criteria: Invitae Variant Classification Sherloc (09022015). Collection method: clinical testing. Allele origin: germline.
Comment: This sequence change replaces aspartic acid, which is acidic and polar, with glutamic acid, which is acidic and polar, at codon 644 of the PTCH2 protein (p.Asp644Glu). This variant is present in population databases (rs772209129, gnomAD 0.006%). This variant has not been reported in the literature in individuals affected with PTCH2-related conditions. Algorithms developed to predict the effect of missense changes on protein structure and function are either unavailable or do not agree on the potential impact of this missense change (SIFT: "Deleterious"; PolyPhen-2: "Benign"; Align-GVGD: "Class C0"). In summary, the available evidence is currently insufficient to determine the role of this variant in disease. Therefore, it has been classified as a Variant of Uncertain Significance.